The following is an entry in ClinVar:

NM_002473.6(MYH9):c.2468G>A (p.Arg823Gln)

Gene: MYH9 (myosin heavy chain 9; minus strand). Cytogenetic location: 22q12.3.
Variant type: single nucleotide variant.
Coding change: c.2468G>A on transcript NM_002473.6 (MANE Select); coding-DNA position 2468, G replaced by A.
Protein change: p.Arg823Gln; replaces arginine 823 with glutamine.
Molecular consequence: missense variant.
Genome position (GRCh38, 1-based): chr22:36,302,599, C>T on the plus strand (G>A on the coding strand, the complement: MYH9 is on the minus strand). VCF-style: chr22-36302599-C-T. GRCh37 (hg19) VCF-style: chr22-36698645-C-T.
Other names: short protein forms R823Q.
Identifiers: ClinVar variation 1975177 (VCV001975177.6), dbSNP rs2517972623, ClinGen allele CA411395005.

ClinVar aggregate classification (germline): Uncertain significance. Review status: criteria provided, multiple submitters, no conflicts (2 of 4 stars). 2 submissions from 2 submitters: Uncertain significance (2). Last evaluated 2023-11-28.

gnomAD v4.1: 1 of 1,613,558 alleles (0.000062%); no homozygotes.

Submissions (2):

Blueprint Genetics
Classification: Uncertain significance. Last evaluated: 2023-11-28. Review status: criteria provided, single submitter. Criteria: ACMG Guidelines, 2015. Collection method: clinical testing. Allele origin: germline.

Labcorp Genetics (formerly Invitae), Labcorp
Classification: Uncertain significance. Last evaluated: 2023-08-04. Review status: criteria provided, single submitter. Criteria: Invitae Variant Classification Sherloc (09022015). Collection method: clinical testing. Allele origin: germline.
Comment: In summary, the available evidence is currently insufficient to determine the role of this variant in disease. Therefore, it has been classified as a Variant of Uncertain Significance. Advanced modeling of protein sequence and biophysical properties (such as structural, functional, and spatial information, amino acid conservation, physicochemical variation, residue mobility, and thermodynamic stability) performed at Invitae indicates that this missense variant is not expected to disrupt MYH9 protein function. ClinVar contains an entry for this variant (Variation ID: 1975177). This variant has not been reported in the literature in individuals affected with MYH9-related conditions. This variant is not present in population databases (gnomAD no frequency). This sequence change replaces arginine, which is basic and polar, with glutamine, which is neutral and polar, at codon 823 of the MYH9 protein (p.Arg823Gln).